The following is an entry in ClinVar:

NM_024597.4(MAP7D3):c.170-3del

Gene: MAP7D3 (MAP7 domain containing 3; minus strand). Cytogenetic location: Xq26.3.
Variant type: Deletion.
Coding change: c.170-3del on transcript NM_024597.4 (MANE Select); 3 bases into the intron before coding-DNA position 170, one base deleted (T; older notation c.170-3delT).
Molecular consequence: intron variant.
Genome position (GRCh38, 1-based): chrX:136,246,151, A deleted on the plus strand (T on the coding strand, the reverse complement: MAP7D3 is on the minus strand); the first of 10 consecutive A bases (chrX:136,246,151-136,246,160); deleting any one gives the same sequence. VCF-style (leftmost placement, unchanged base first): chrX-136246150-TA-T. GRCh37 (hg19) VCF-style: chrX-135328309-TA-T.
Other names: c.170-3del (NM_001173517.2); c.116-3del (NM_001173516.1).
Identifiers: ClinVar variation 3060588 (VCV003060588.2), dbSNP rs369808467, ClinGen allele CA10525774.
Genomic context (GRCh38, chrX:136,246,150, plus strand): 5'-TCTGCGCTCTCTTGCTAATCTTTGTTTTATGTCATTTTTAAGCATGGATCCATCGATTAC[TA>T]AAAAAAAAAGAATATAGTTAGATATTAATAGGATATCAAATTTTAAAGATATGACACTTT-3'

ClinVar aggregate classification (germline): Benign (0 of 4 stars; one submission).

Conditions:
MAP7D3-related disorder. Also called: MAP7D3-related condition.

Submission:

PreventionGenetics, part of Exact Sciences
Classification: Benign for MAP7D3-related condition. Last evaluated: 2019-06-03. Review status: no assertion criteria provided. Collection method: clinical testing. Allele origin: germline.
Comment: This variant is classified as benign based on ACMG/AMP sequence variant interpretation guidelines (Richards et al. 2015 PMID: 25741868, with internal and published modifications).